The following is an entry in ClinVar:

NM_000090.4(COL3A1):c.1150-20T>C

Gene: COL3A1 (collagen type III alpha 1 chain; plus strand). Cytogenetic location: 2q32.2.
Variant type: single nucleotide variant.
Coding change: c.1150-20T>C on transcript NM_000090.4 (MANE Select); 20 bases into the intron before coding-DNA position 1150, T replaced by C.
Molecular consequence: intron variant.
Genome position (GRCh38, 1-based): chr2:188,994,018, T>C. VCF-style: chr2-188994018-T-C. GRCh37 (hg19) VCF-style: chr2-189858744-T-C.
Identifiers: ClinVar variation 668357 (VCV000668357.7), dbSNP rs377676752, ClinGen allele CA073832.

ClinVar aggregate classification (germline): Likely benign. Review status: criteria provided, multiple submitters, no conflicts (2 of 4 stars). 3 submissions from 3 submitters: Likely benign (3). Last evaluated 2025-11-27.

Conditions:
Ehlers-Danlos syndrome, type 4 (EDSVASC). Also called: Ehlers-Danlos syndrome vascular type; Ehlers Danlos syndrome, ecchymotic type; Ehlers Danlos syndrome, arterial type; Ehlers Danlos syndrome, Sack-Barabas type; Ehlers-Danlos Syndrome Type IV. Identifiers: Orphanet 286, MedGen C0268338, MONDO:0017314, OMIM 130050.

Allele frequency attached by ClinVar (database versions not stated): gnomAD exomes 0.00001 and 0.00004; ExAC 0.00002; gnomAD 0.00005; TOPMed 0.00006; ESP Exome Variant Server 0.00015.
gnomAD v4.1: 61 of 1,610,292 alleles (0.0038%); highest among the groups gnomAD compares: Non-Finnish European, 0.0048%; no homozygotes.

Submissions (3):

Labcorp Genetics (formerly Invitae), Labcorp
Classification: Likely benign for Ehlers-Danlos syndrome, type 4. Last evaluated: 2025-11-27. Review status: criteria provided, single submitter. Criteria: Invitae Variant Classification Sherloc (09022015). Collection method: clinical testing. Allele origin: germline.

Blueprint Genetics
Classification: Likely benign. Last evaluated: 2024-07-18. Review status: criteria provided, single submitter. Criteria: ACMG Guidelines, 2015. Collection method: clinical testing. Allele origin: germline.

GeneDx
Classification: Likely benign. Last evaluated: 2018-04-30. Review status: criteria provided, single submitter. Criteria: GeneDx Variant Classification (06012015). Collection method: clinical testing. Allele origin: germline. Affected: yes.
Comment: This variant is considered likely benign or benign based on one or more of the following criteria: it is a conservative change, it occurs at a poorly conserved position in the protein, it is predicted to be benign by multiple in silico algorithms, and/or has population frequency not consistent with disease.